The following is an entry in ClinVar:

ClinVar aggregate classification (germline): Uncertain significance (1 of 4 stars; one submission).

Allele frequency attached by ClinVar (database versions not stated): gnomAD 0.00003; TOPMed 0.00003; ExAC 0.00028.
gnomAD v4.1: 221 of 1,614,078 alleles (0.014%); highest among the groups gnomAD compares: South Asian, 0.18%; 4 homozygotes.

Submission:

Labcorp Genetics (formerly Invitae), Labcorp
Classification: Uncertain significance. Last evaluated: 2022-03-16. Review status: criteria provided, single submitter. Criteria: Invitae Variant Classification Sherloc (09022015). Collection method: clinical testing. Allele origin: germline.
Comment: This sequence change replaces valine, which is neutral and non-polar, with isoleucine, which is neutral and non-polar, at codon 856 of the ARHGEF10 protein (p.Val856Ile). In summary, the available evidence is currently insufficient to determine the role of this variant in disease. Therefore, it has been classified as a Variant of Uncertain Significance. Algorithms developed to predict the effect of missense changes on protein structure and function are either unavailable or do not agree on the potential impact of this missense change (SIFT: "Tolerated"; PolyPhen-2: "Possibly Damaging"; Align-GVGD: "Class C0"). This variant has not been reported in the literature in individuals affected with ARHGEF10-related conditions. This variant is present in population databases (rs773521162, gnomAD 0.2%), and has an allele count higher than expected for a pathogenic variant.

NM_014629.4(ARHGEF10):c.2566G>A (p.Val856Ile)

Gene: ARHGEF10 (Rho guanine nucleotide exchange factor 10; plus strand). Cytogenetic location: 8p23.3.
Variant type: single nucleotide variant.
Coding change: c.2566G>A on transcript NM_014629.4 (MANE Select); coding-DNA position 2566, G replaced by A.
Protein change: p.Val856Ile; replaces valine 856 with isoleucine.
Molecular consequence: missense variant.
Genome position (GRCh38, 1-based): chr8:1,925,360, G>A. VCF-style: chr8-1925360-G-A. GRCh37 (hg19) VCF-style: chr8-1873526-G-A.
Other names: c.2452G>A, p.Val818Ile (NM_001308152.2); c.2566G>A, p.Val856Ile (NM_001308153.3); short protein forms V880I, V856I, V818I.
Identifiers: ClinVar variation 2170729 (VCV002170729.4), dbSNP rs773521162, ClinGen allele CA4600923.
Genomic context (GRCh38, chr8:1,925,360, plus strand): 5'-GGCTGGTTCTGTGTGGAAGACGATGGGAATCACATTAAAAAGGAGAAGCATCCTCTCCTC[G>A]TCGGACACATGCCCGTGATGGTGGCCAAGCAGCAGGAGTTCAAGGTGAAGGGAGGCAGGG-3'
Protein context (NP_055444.2, residues 846-866): HIKKEKHPLL[Val856Ile]GHMPVMVAKQ